The following is an entry in ClinVar:

ClinVar aggregate classification (germline): Conflicting classifications of pathogenicity. Review status: criteria provided, conflicting classifications (1 of 4 stars). 7 submissions from 7 submitters: Uncertain significance (4); Likely benign (2). 1 of the submissions does not count toward it. Last evaluated 2026-01-18.

Conditions:
Hypercholesterolemia, autosomal dominant, type B (FHCL2). Also called: APOB-Related Familial Hypercholesterolemia, Autosomal Dominant; Hyperlipoproteinemia Type IIb; Familial Hypercholesterolemia Type B; APOLIPOPROTEIN B-100, FAMILIAL DEFECTIVE; APOLIPOPROTEIN B-100, FAMILIAL LIGAND-DEFECTIVE; Familial hypercholesterolemia 2. Identifiers: MedGen C1704417, MONDO:0007751, OMIM 144010.
Familial hypobetalipoproteinemia 1. Also called: APOB-Related Familial Hypobetalipoproteinemia; Hypobetalipoproteinemia, normotriglyceridemic; Acanthocytosis with hypobetalipoproteinemia. Identifiers: MedGen C4551990, MONDO:0014252, OMIM 615558.
Cardiovascular phenotype. Identifiers: MedGen CN230736.

Allele frequency attached by ClinVar (database versions not stated): ESP Exome Variant Server 0.00023; 1000 Genomes Project 30x 0.00031; 1000 Genomes Project 0.00040; gnomAD 0.00012 and 0.00013; TOPMed 0.00014.
gnomAD v4.1: 228 of 1,614,112 alleles (0.014%); highest among the groups gnomAD compares: Admixed American, 0.037%; no homozygotes.

Submissions (7):

Labcorp Genetics (formerly Invitae), Labcorp
Classification: Likely benign for Familial hypobetalipoproteinemia 1; Hypercholesterolemia, autosomal dominant, type B. Last evaluated: 2026-01-18. Review status: criteria provided, single submitter. Criteria: Invitae Variant Classification Sherloc (09022015). Collection method: clinical testing. Allele origin: germline.

Quest Diagnostics Nichols Institute San Juan Capistrano
Classification: Uncertain significance. Last evaluated: 2024-03-19. Review status: criteria provided, single submitter. Criteria: Quest Diagnostics criteria. Collection method: clinical testing. Allele origin: unknown.
Comment: The APOB c.2258G>A (p.Gly753Glu) variant has been reported in the published literature in individuals with familial hypercholesterolemia (FH) (PMID: 35913489 (2022)), hypertriglyceridemia (PMID: 33303402 (2021)), and nonalcoholic fatty liver disease (PMID: 32101375 (2020)). The frequency of this variant in the general population, 0.0011 (13/11454 chromosomes in Southern European subpopulation (Genome Aggregation Database)), is higher than would generally be expected for pathogenic variants in this gene. Analysis of this variant using bioinformatics tools for the prediction of the effect of amino acid changes on protein structure and function yielded conflicting predictions that this variant is benign or damaging. Based on the available information, we are unable to determine the clinical significance of this variant.

Ambry Genetics
Classification: Likely benign for Cardiovascular phenotype. Last evaluated: 2023-12-28. Review status: criteria provided, single submitter. Criteria: Ambry Variant Classification Scheme 2023. Collection method: clinical testing. Allele origin: germline.

New York Genome Center
Classification: Uncertain significance for Familial hypobetalipoproteinemia 1; Hypercholesterolemia, autosomal dominant, type B. Last evaluated: 2022-07-11. Review status: criteria provided, single submitter. Criteria: NYGC Assertion Criteria 2020. Collection method: clinical testing. Allele origin: germline. Observed: 1 heterozygote.
Comment: The c.2258G>A variant in the APOB has previously been reported in individuals with isolated hypertriglyceridemia, nonalcoholic fatty liver disease (NAFLD) with hepatocellular carcinoma (HCC) and with sudden unexplained death (SUD) [PMID: 30842500, 33303402, 32101375] and it has been deposited in ClinVar [ClinVar ID:630345] as Variant of Uncertain Significance in association with Familial hypercholesterolemia. The c.2258G>A variant is observed in 115 alleles (0.0146% minorallele frequency with 0 homozygotes) in population databases (gnomAD v2.1.1 and v3.1.2, TOPMed Freeze 8, All of Us). The c.2258G>A variant in the APOB is located in exon 16 of this 29-exon gene and predicted to replace an evolutionarily conserved glycine amino acid with glutamic acid at position 753 of the encoded protein. In silico predictions are inconclusive of the p.(Gly753Glu) variant's effect [(CADD v1.6 = 26.1, REVEL = 0.186)]; however, there are no functional studies to support or refute these predictions. Based on available evidence this c.2258G>A p.(Gly753Glu) variant identified in the APOB is classified as a Variant of Uncertain Significance.

Laboratory for Molecular Medicine, Mass General Brigham Personalized Medicine
Classification: Uncertain significance. Last evaluated: 2022-05-12. Review status: criteria provided, single submitter. Criteria: ACMG Guidelines, 2015. Collection method: clinical testing. Allele origin: germline.
Comment: The p.Gly753Glu variant in APOB has been not reported in individuals with familial hypercholesterolemia, but has been reported in one individual with non-alcoholic fatty liver disease and 1 individual with hypertriglyceridemia (Pelusi 2019 PMID: 30842500, Gill 2021 PMID: 33303402). It has been identified in 0.04% (16/34534) of Latino/Admixed American chromosomes in gnomAD. This variant has also been reported in ClinVar (Variation ID 630345). Computational prediction tools and conservation analyses suggest that this variant may not impact the protein, though this information is not predictive enough to rule out pathogenicity. In summary, the clinical significance of this variant is uncertain. ACMG/AMP Criteria applied: BP4.

Fulgent Genetics
Classification: Uncertain significance for Hypercholesterolemia, autosomal dominant, type B; Familial hypobetalipoproteinemia 1. Last evaluated: 2021-11-02. Review status: criteria provided, single submitter. Criteria: ACMG Guidelines, 2015. Collection method: clinical testing. Allele origin: unknown.

Metabolic Liver Diseases Lab, Fondazione IRCCS Ca Granda Policlinico, University of Milan
Classification: Likely pathogenic for Familial hypobetalipoproteinemia 1. Last evaluated: 2018-12-01. Review status: no assertion criteria provided. Collection method: case-control. Allele origin: germline. Affected: yes. Observed: 1 variant allele. Not counted in ClinVar's aggregate classification.

Literature cited by the submitters: PubMed 33303402 (cited by 3 submitters); PubMed 35913489 (cited by Quest Diagnostics Nichols Institute San Juan Capistrano and Ambry Genetics); PubMed 32101375 (cited by Quest Diagnostics Nichols Institute San Juan Capistrano and Ambry Genetics); PubMed 30842500 (cited by 4 submitters); PubMed 19602640 (cited by Ambry Genetics).

NM_000384.3(APOB):c.2258G>A (p.Gly753Glu)

Gene: APOB (apolipoprotein B; minus strand). Cytogenetic location: 2p24.1.
Variant type: single nucleotide variant.
Coding change: c.2258G>A on transcript NM_000384.3 (MANE Select); coding-DNA position 2258, G replaced by A.
Protein change: p.Gly753Glu; replaces glycine 753 with glutamic acid.
Molecular consequence: missense variant.
Genome position (GRCh38, 1-based): chr2:21,025,111, C>T on the plus strand (G>A on the coding strand, the complement: APOB is on the minus strand). VCF-style: chr2-21025111-C-T. GRCh37 (hg19) VCF-style: chr2-21247983-C-T.
Other names: short protein forms G753E.
Identifiers: ClinVar variation 630345 (VCV000630345.17), dbSNP rs148502464, ClinGen allele CA055756.